The following is an entry in ClinVar:

ClinVar aggregate classification (germline): Uncertain significance. Review status: criteria provided, multiple submitters, no conflicts (2 of 4 stars). 2 submissions from 2 submitters: Uncertain significance (2). Last evaluated 2026-06-05.

Conditions:
Polycystic kidney disease, adult type (PKD1). Also called: Polycystic Kidney, Autosomal Dominant; POLYCYSTIC KIDNEY DISEASE, ADULT, TYPE I; Polycystic Kidney Disease 1, Autosomal Dominant; Polycystic kidney disease 1; Polycystic kidney disease 1, severe; POLYCYSTIC KIDNEY DISEASE 1 WITH OR WITHOUT POLYCYSTIC LIVER DISEASE. Identifiers: MedGen C3149841, MONDO:0008263, OMIM 173900.

Allele frequency attached by ClinVar (database versions not stated): gnomAD 0.00001; TOPMed below 0.00001.
gnomAD v4.1: 6 of 1,611,440 alleles (0.00037%); highest among the groups gnomAD compares: Middle Eastern, 0.016%; no homozygotes.

Submissions (2):

Women's Health and Genetics/Laboratory Corporation of America, LabCorp
Classification: Uncertain significance. Last evaluated: 2026-06-05. Review status: criteria provided, single submitter. Criteria: LabCorp Variant Classification Summary - May 2015. Collection method: clinical testing. Allele origin: germline.
Comment: Variant summary: PKD1 c.12413G>A (p.Arg4138His) results in a non-conservative amino acid change in the encoded protein sequence. Algorithms developed to predict the effect of missense changes on protein structure and function are either unavailable or do not agree on the potential impact of this missense change. The variant allele was found at a frequency of 4.1e-06 in 245214 control chromosomes (gnomAD). c.12413G>A has been observed in 2 siblings affected with Polycystic Kidney Disease with a prenatal or neonatal onset who were compound heterozygous with a truncating variant (Bergmann_2011). These data indicate that the variant may be associated with disease as a hypomorphic allele. To our knowledge, no experimental evidence demonstrating an impact on protein function has been reported. The following publication has been ascertained in the context of this evaluation (PMID: 22034641). ClinVar contains an entry for this variant (Variation ID: 3066346). Based on the evidence outlined above, the variant was classified as VUS-possibly pathogenic.

MVZ Medizinische Genetik Mainz
Classification: Uncertain significance for Polycystic kidney disease, adult type. Last evaluated: 2024-01-19. Review status: criteria provided, single submitter. Criteria: UK Practice Guidelines For Variant Classification V4 01 2020. Collection method: clinical testing. Allele origin: germline. Inheritance: Autosomal dominant inheritance. Affected: yes. Observed: 1 variant allele.

Literature cited by the submitters: PubMed 22034641 (cited by Women's Health and Genetics/Laboratory Corporation of America, LabCorp).

NM_001009944.3(PKD1):c.12413G>A (p.Arg4138His)

Gene: PKD1 (polycystin 1, transient receptor potential channel interacting; minus strand). Cytogenetic location: 16p13.3.
Variant type: single nucleotide variant.
Coding change: c.12413G>A on transcript NM_001009944.3 (MANE Select); coding-DNA position 12413, G replaced by A.
Protein change: p.Arg4138His; replaces arginine 4138 with histidine.
Molecular consequence: missense variant.
Genome position (GRCh38, 1-based): chr16:2,090,316, C>T on the plus strand (G>A on the coding strand, the complement: PKD1 is on the minus strand). VCF-style: chr16-2090316-C-T. GRCh37 (hg19) VCF-style: chr16-2140317-C-T.
Other names: c.12410G>A, p.Arg4137His (NM_000296.4); short protein forms R4137H, R4138H.
Identifiers: ClinVar variation 3066346 (VCV003066346.2), dbSNP rs1321320963, ClinGen allele CA394324659.